The following is an entry in ClinVar:

ClinVar aggregate classification (germline): Uncertain significance (1 of 4 stars; one submission).

Conditions:
2-aminoadipic 2-oxoadipic aciduria (AAKAD). Also called: ALPHA-AMINOADIPIC AND ALPHA-KETOADIPIC ACIDURIA; Aminoadipic aciduria. Identifiers: Orphanet 79154, MedGen C1859817, MONDO:0008774, OMIM 204750.

Allele frequency attached by ClinVar (database versions not stated): ExAC 0.00002; gnomAD 0.00002; gnomAD exomes 0.00003; TOPMed 0.00004.
gnomAD v4.1: 44 of 1,613,984 alleles (0.0027%); highest among the groups gnomAD compares: African/African-American, 0.004%; no homozygotes.

Submission:

Labcorp Genetics (formerly Invitae), Labcorp
Classification: Uncertain significance for 2-aminoadipic 2-oxoadipic aciduria. Last evaluated: 2024-01-24. Review status: criteria provided, single submitter. Criteria: Invitae Variant Classification Sherloc (09022015). Collection method: clinical testing. Allele origin: germline.
Comment: This sequence change replaces glycine, which is neutral and non-polar, with arginine, which is basic and polar, at codon 79 of the DHTKD1 protein (p.Gly79Arg). This variant is present in population databases (rs752172609, gnomAD 0.02%). This variant has not been reported in the literature in individuals affected with DHTKD1-related conditions. ClinVar contains an entry for this variant (Variation ID: 2147147). Advanced modeling of protein sequence and biophysical properties (such as structural, functional, and spatial information, amino acid conservation, physicochemical variation, residue mobility, and thermodynamic stability) performed at Invitae indicates that this missense variant is not expected to disrupt DHTKD1 protein function with a negative predictive value of 80%. In summary, the available evidence is currently insufficient to determine the role of this variant in disease. Therefore, it has been classified as a Variant of Uncertain Significance.

NM_018706.7(DHTKD1):c.235G>A (p.Gly79Arg)

Gene: DHTKD1 (dehydrogenase E1 and transketolase domain containing 1; plus strand). Cytogenetic location: 10p14.
Variant type: single nucleotide variant.
Coding change: c.235G>A on transcript NM_018706.7 (MANE Select); coding-DNA position 235, G replaced by A.
Protein change: p.Gly79Arg; replaces glycine 79 with arginine.
Molecular consequence: missense variant.
Genome position (GRCh38, 1-based): chr10:12,081,552, G>A. VCF-style: chr10-12081552-G-A. GRCh37 (hg19) VCF-style: chr10-12123551-G-A.
Other names: short protein forms G79R.
Identifiers: ClinVar variation 2147147 (VCV002147147.4), dbSNP rs752172609, ClinGen allele CA5407477.